The following is an entry in ClinVar:

ClinVar aggregate classification (germline): Uncertain significance (1 of 4 stars; one submission).

Submission:

Labcorp Genetics (formerly Invitae), Labcorp
Classification: Uncertain significance. Last evaluated: 2025-08-18. Review status: criteria provided, single submitter. Criteria: Invitae Variant Classification Sherloc (09022015). Collection method: clinical testing. Allele origin: germline.
Comment: This sequence change replaces glutamine, which is neutral and polar, with glutamic acid, which is acidic and polar, at codon 686 of the PCDH12 protein (p.Gln686Glu). This variant is not present in population databases (gnomAD no frequency). This variant has not been reported in the literature in individuals affected with PCDH12-related conditions. ClinVar contains an entry for this variant (Variation ID: 1982591). Invitae Evidence Modeling of protein sequence and biophysical properties (such as structural, functional, and spatial information, amino acid conservation, physicochemical variation, residue mobility, and thermodynamic stability) indicates that this missense variant is not expected to disrupt PCDH12 protein function with a negative predictive value of 95%. In summary, the available evidence is currently insufficient to determine the role of this variant in disease. Therefore, it has been classified as a Variant of Uncertain Significance.

NM_016580.4(PCDH12):c.2056C>G (p.Gln686Glu)

Genes: PCDH12 (protocadherin 12; minus strand), RNF14 (ring finger protein 14; plus strand). Cytogenetic location: 5q31.3.
Variant type: single nucleotide variant.
Coding change: c.2056C>G on transcript NM_016580.4 (MANE Select); coding-DNA position 2056, C replaced by G.
Protein change: p.Gln686Glu; replaces glutamine 686 with glutamic acid.
Molecular consequence: missense variant.
Genome position (GRCh38, 1-based): chr5:141,955,796, G>C on the plus strand (C>G on the coding strand, the complement: PCDH12 is on the minus strand). VCF-style: chr5-141955796-G-C. GRCh37 (hg19) VCF-style: chr5-141335361-G-C.
Other names: short protein forms Q686E.
Identifiers: ClinVar variation 1982591 (VCV001982591.4), dbSNP rs776549536, ClinGen allele CA361579351.